The following is an entry in ClinVar:

ClinVar aggregate classification (germline): Pathogenic. Review status: criteria provided, multiple submitters, no conflicts (2 of 4 stars). 2 submissions from 2 submitters: Pathogenic (2). Last evaluated 2023-05-11.

Conditions:
Familial adenomatous polyposis 1 (FAP1). Also called: POLYPOSIS, ADENOMATOUS INTESTINAL; FAMILIAL ADENOMATOUS POLYPOSIS 1, ATTENUATED. Identifiers: MedGen C2713442, MONDO:0021056, OMIM 175100. Disease mechanism: loss of function.

Submissions (2):

Myriad Genetics, Inc.
Classification: Pathogenic for Familial adenomatous polyposis 1. Last evaluated: 2023-05-11. Review status: criteria provided, single submitter. Criteria: Myriad Autosomal Dominant, Autosomal Recessive and X-Linked Classification Criteria (2023). Collection method: clinical testing. Allele origin: unknown.
Comment: This variant is considered pathogenic. This variant creates a termination codon and is predicted to result in premature protein truncation.

Labcorp Genetics (formerly Invitae), Labcorp
Classification: Pathogenic for Familial adenomatous polyposis 1. Last evaluated: 2022-08-18. Review status: criteria provided, single submitter. Criteria: Invitae Variant Classification Sherloc (09022015). Collection method: clinical testing. Allele origin: germline.
Comment: This sequence change creates a premature translational stop signal (p.Leu1489*) in the APC gene. While this is not anticipated to result in nonsense mediated decay, it is expected to disrupt the last 1355 amino acid(s) of the APC protein. This variant is not present in population databases (gnomAD no frequency). This variant has not been reported in the literature in individuals affected with APC-related conditions. ClinVar contains an entry for this variant (Variation ID: 950286). This variant disrupts a region of the APC protein in which other variant(s) (p.Tyr2645Lysfs*14) have been determined to be pathogenic (PMID: 1316610, 8381579, 9824584, 27081525). This suggests that this is a clinically significant region of the protein, and that variants that disrupt it are likely to be disease-causing. For these reasons, this variant has been classified as Pathogenic. This variant is expected to disrupt the EB1 and HDLG binding sites, which mediate interactions with the cytoskeleton (PMID: 15311282, 17293347). While functional studies have not been performed to directly test the effect on APC protein function, this suggests that disruption of the C-terminal portion of the protein is functionally important.

Literature cited by the submitters: PubMed 1316610 (cited by Labcorp Genetics (formerly Invitae), Labcorp); PubMed 8381579 (cited by Labcorp Genetics (formerly Invitae), Labcorp); PubMed 9824584 (cited by Labcorp Genetics (formerly Invitae), Labcorp); PubMed 27081525 (cited by Labcorp Genetics (formerly Invitae), Labcorp); PubMed 15311282 (cited by Labcorp Genetics (formerly Invitae), Labcorp); PubMed 17293347 (cited by Labcorp Genetics (formerly Invitae), Labcorp).

NM_000038.6(APC):c.4466T>G (p.Leu1489Ter)

Gene: APC (APC regulator of Wnt signaling pathway; plus strand). Cytogenetic location: 5q22.2.
Variant type: single nucleotide variant.
Coding change: c.4466T>G on transcript NM_000038.6 (MANE Select); coding-DNA position 4466, T replaced by G.
Protein change: p.Leu1489Ter; replaces leucine 1489 with a stop codon.
Molecular consequence: nonsense.
Genome position (GRCh38, 1-based): chr5:112,840,060, T>G. VCF-style: chr5-112840060-T-G. GRCh37 (hg19) VCF-style: chr5-112175757-T-G.
Other names: c.4466T>G, p.Leu1489Ter (NM_001127510.3, NM_001354895.2); c.4412T>G, p.Leu1471Ter (NM_001127511.3); c.4520T>G, p.Leu1507Ter (NM_001354896.2); c.4496T>G, p.Leu1499Ter (NM_001354897.2); c.4391T>G, p.Leu1464Ter (NM_001354898.2); c.4382T>G, p.Leu1461Ter (NM_001354899.2); c.4343T>G, p.Leu1448Ter (NM_001354900.2); c.4289T>G, p.Leu1430Ter (NM_001354901.2); and 5 more; short protein forms L1363*, L1388*, L1448*, L1471*, L1489*, L1499*, L1206*, L1461*.
Identifiers: ClinVar variation 950286 (VCV000950286.10), dbSNP rs1765687695, ClinGen allele CA16031106.